The following is an entry in ClinVar:

NM_015141.4(GPD1L):c.610G>A (p.Ala204Thr)

Gene: GPD1L (glycerol-3-phosphate dehydrogenase 1 like; plus strand). Cytogenetic location: 3p22.3.
Variant type: single nucleotide variant.
Coding change: c.610G>A on transcript NM_015141.4 (MANE Select); coding-DNA position 610, G replaced by A.
Protein change: p.Ala204Thr; replaces alanine 204 with threonine.
Molecular consequence: missense variant.
Genome position (GRCh38, 1-based): chr3:32,146,726, G>A. VCF-style: chr3-32146726-G-A. GRCh37 (hg19) VCF-style: chr3-32188218-G-A.
Other names: short protein forms A204T.
Identifiers: ClinVar variation 4738191 (VCV004738191.1).

ClinVar aggregate classification (germline): Uncertain significance (1 of 4 stars; one submission).

Conditions:
Brugada syndrome. Also called: Sudden unexplained nocturnal death syndrome; Sudden unexpected nocturnal death syndrome; Sudden Unexplained Nocturnal Death Syndrome (SUNDS); Sudden Unexplained Death Syndrome. Identifiers: Orphanet 130, MedGen C1142166, MONDO:0015263.

gnomAD v4.1: 2 of 1,598,146 alleles (0.00013%); highest among the groups gnomAD compares: Non-Finnish European, 0.000086%; no homozygotes.

Submission:

Labcorp Genetics (formerly Invitae), Labcorp
Classification: Uncertain significance for Brugada syndrome. Last evaluated: 2025-03-23. Review status: criteria provided, single submitter. Criteria: Invitae Variant Classification Sherloc (09022015). Collection method: clinical testing. Allele origin: germline.
Comment: This sequence change replaces alanine, which is neutral and non-polar, with threonine, which is neutral and polar, at codon 204 of the GPD1L protein (p.Ala204Thr). This variant is not present in population databases (gnomAD no frequency). This variant has not been reported in the literature in individuals affected with GPD1L-related conditions. Invitae Evidence Modeling of protein sequence and biophysical properties (such as structural, functional, and spatial information, amino acid conservation, physicochemical variation, residue mobility, and thermodynamic stability) indicates that this missense variant is not expected to disrupt GPD1L protein function with a negative predictive value of 80%. In summary, the available evidence is currently insufficient to determine the role of this variant in disease. Therefore, it has been classified as a Variant of Uncertain Significance.